The following is an entry in ClinVar:

ClinVar aggregate classification (germline): Uncertain significance. Review status: criteria provided, multiple submitters, no conflicts (2 of 4 stars). 3 submissions from 3 submitters: Uncertain significance (3). Last evaluated 2025-12-13.

Conditions:
Polyps, multiple and recurrent inflammatory fibroid, gastrointestinal. Identifiers: MedGen C5193005, MONDO:0008285, OMIM 175510.
Hereditary cancer-predisposing syndrome. Also called: Neoplastic Syndromes, Hereditary; Hereditary neoplastic syndrome; Hereditary Cancer Syndrome; Tumor predisposition. Identifiers: Orphanet 140162, MedGen C0027672, MeSH D009386, MONDO:0015356.
Gastrointestinal stromal tumor. Also called: Gastrointestinal stromal tumor, somatic; Gastrointestinal stroma tumor. Identifiers: Orphanet 44890, MedGen C0238198, MeSH D046152, MONDO:0011719, OMIM 606764, HP:0100723.

Allele frequency attached by ClinVar (database versions not stated): TOPMed below 0.00001.
gnomAD v4.1: 10 of 1,613,976 alleles (0.00062%); highest among the groups gnomAD compares: East Asian, 0.0045%; no homozygotes.

Submissions (3):

Labcorp Genetics (formerly Invitae), Labcorp
Classification: Uncertain significance for Gastrointestinal stromal tumor. Last evaluated: 2025-12-13. Review status: criteria provided, single submitter. Criteria: Invitae Variant Classification Sherloc (09022015). Collection method: clinical testing. Allele origin: germline.
Comment: This sequence change replaces arginine, which is basic and polar, with tryptophan, which is neutral and slightly polar, at codon 617 of the PDGFRA protein (p.Arg617Trp). This variant is present in population databases (no rsID available, gnomAD 0.003%). This missense change has been observed in individual(s) with prostate cancer (PMID: 27701467). ClinVar contains an entry for this variant (Variation ID: 240318). Invitae Evidence Modeling of protein sequence and biophysical properties (such as structural, functional, and spatial information, amino acid conservation, physicochemical variation, residue mobility, and thermodynamic stability) indicates that this missense variant is not expected to disrupt PDGFRA protein function with a negative predictive value of 80%. In summary, the available evidence is currently insufficient to determine the role of this variant in disease. Therefore, it has been classified as a Variant of Uncertain Significance.

Ambry Genetics
Classification: Uncertain significance for Hereditary cancer-predisposing syndrome. Last evaluated: 2025-05-21. Review status: criteria provided, single submitter. Criteria: Ambry Variant Classification Scheme 2023. Collection method: clinical testing. Allele origin: germline.
Comment: The p.R617W variant (also known as c.1849C>T), located in coding exon 12 of the PDGFRA gene, results from a C to T substitution at nucleotide position 1849. The arginine at codon 617 is replaced by tryptophan, an amino acid with dissimilar properties. This amino acid position is well conserved in available vertebrate species. In addition, this alteration is predicted to be deleterious by in silico analysis. Based on the available evidence, the clinical significance of this variant remains unclear.

Baylor Genetics
Classification: Uncertain significance for Polyps, multiple and recurrent inflammatory fibroid, gastrointestinal. Last evaluated: 2024-03-13. Review status: criteria provided, single submitter. Criteria: ACMG Guidelines, 2015. Collection method: clinical testing. Allele origin: unknown.

Literature cited by the submitters: PubMed 27701467 (cited by Labcorp Genetics (formerly Invitae), Labcorp).

NM_006206.6(PDGFRA):c.1849C>T (p.Arg617Trp)

Gene: PDGFRA (platelet derived growth factor receptor alpha; plus strand). Cytogenetic location: 4q12.
Variant type: single nucleotide variant.
Coding change: c.1849C>T on transcript NM_006206.6 (MANE Select); coding-DNA position 1849, C replaced by T.
Protein change: p.Arg617Trp; replaces arginine 617 with tryptophan.
Molecular consequence: missense variant.
Genome position (GRCh38, 1-based): chr4:54,277,450, C>T. VCF-style: chr4-54277450-C-T. GRCh37 (hg19) VCF-style: chr4-55143617-C-T.
Other names: c.1849C>T, p.Arg617Trp (NM_001347827.2, NM_001347829.2); c.1924C>T, p.Arg642Trp (NM_001347828.2); c.1888C>T, p.Arg630Trp (NM_001347830.2); short protein forms R617W, R642W, R630W.
Identifiers: ClinVar variation 240318 (VCV000240318.12), dbSNP rs878854825, ClinGen allele CA10582247.